The following is an entry in ClinVar:

NM_006904.7(PRKDC):c.5588T>C (p.Phe1863Ser)

Gene: PRKDC (protein kinase, DNA-activated, catalytic subunit; minus strand). Cytogenetic location: 8q11.21.
Variant type: single nucleotide variant.
Coding change: c.5588T>C on transcript NM_006904.7 (MANE Select); coding-DNA position 5588, T replaced by C.
Protein change: p.Phe1863Ser; replaces phenylalanine 1863 with serine.
Molecular consequence: missense variant.
Genome position (GRCh38, 1-based): chr8:47,863,561, A>G on the plus strand (T>C on the coding strand, the complement: PRKDC is on the minus strand). VCF-style: chr8-47863561-A-G. GRCh37 (hg19) VCF-style: chr8-48776122-A-G.
Other names: c.5588T>C, p.Phe1863Ser (NM_001081640.2); short protein forms F1863S.
Identifiers: ClinVar variation 1748456 (VCV001748456.2), dbSNP rs2551870861, ClinGen allele CA371163224.

ClinVar aggregate classification (germline): Uncertain significance (1 of 4 stars; one submission).

Submission:

Ambry Genetics
Classification: Uncertain significance. Last evaluated: 2022-09-20. Review status: criteria provided, single submitter. Criteria: Ambry Variant Classification Scheme 2023. Collection method: clinical testing. Allele origin: germline.
Comment: The p.F1863S variant (also known as c.5588T>C), located in coding exon 42 of the PRKDC gene, results from a T to C substitution at nucleotide position 5588. The phenylalanine at codon 1863 is replaced by serine, an amino acid with highly dissimilar properties. This amino acid position is conserved. Since supporting evidence is limited at this time, the clinical significance of this alteration remains unclear.